The following is an entry in ClinVar:

ClinVar aggregate classification (germline): Pathogenic (1 of 4 stars; one submission).

Conditions:
Arrhythmogenic cardiomyopathy with wooly hair and keratoderma. Also called: Dilated cardiomyopathy with woolly hair and keratoderma; PALMOPLANTAR KERATODERMA WITH LEFT VENTRICULAR CARDIOMYOPATHY AND WOOLLY HAIR; Carvajal syndrome; Arrhythmogenic cardiomyopathy with woolly hair and keratoderma. Identifiers: Orphanet 65282, MedGen C1854063, MONDO:0011581, OMIM 605676.
Arrhythmogenic right ventricular dysplasia 8 (ARVD8). Also called: Arrhythmogenic Right Ventricular Dysplasia/Cardiomyopathy 8; ARRHYTHMOGENIC RIGHT VENTRICULAR DYSPLASIA, FAMILIAL, 8; ARRHYTHMOGENIC RIGHT VENTRICULAR CARDIOMYOPATHY 8. Identifiers: MedGen C1843896, MONDO:0011831, OMIM 607450.

Submission:

Labcorp Genetics (formerly Invitae), Labcorp
Classification: Pathogenic for Arrhythmogenic cardiomyopathy with wooly hair and keratoderma; Arrhythmogenic right ventricular dysplasia 8. Last evaluated: 2023-03-16. Review status: criteria provided, single submitter. Criteria: Invitae Variant Classification Sherloc (09022015). Collection method: clinical testing. Allele origin: germline.
Comment: For these reasons, this variant has been classified as Pathogenic. ClinVar contains an entry for this variant (Variation ID: 1443015). This variant has not been reported in the literature in individuals affected with DSP-related conditions. This variant is not present in population databases (gnomAD no frequency). This sequence change creates a premature translational stop signal (p.Gln335Asnfs*38) in the DSP gene. It is expected to result in an absent or disrupted protein product. Loss-of-function variants in DSP are known to be pathogenic (PMID: 20716751, 24503780, 25227139).

Literature cited by the submitters: PubMed 20716751; PubMed 24503780; PubMed 25227139.

NM_004415.4(DSP):c.1003del (p.Gln335fs)

Gene: DSP (desmoplakin; plus strand). Cytogenetic location: 6p24.3.
Variant type: Deletion.
Coding change: c.1003del on transcript NM_004415.4 (MANE Select); coding-DNA position 1003, one base deleted (C; older notation c.1003delC).
Protein change: p.Gln335fs; shifts the reading frame from glutamine 335.
Molecular consequence: frameshift variant.
Genome position (GRCh38, 1-based): chr6:7,566,440, C deleted; the last of 2 consecutive C bases (chr6:7,566,439-7,566,440); deleting either gives the same sequence. VCF-style (leftmost placement, unchanged base first): chr6-7566438-AC-A. GRCh37 (hg19) VCF-style: chr6-7566671-AC-A.
Other names: c.1003del, p.Gln335fs (NM_001008844.3, NM_001319034.2); short protein forms Q335fs.
Identifiers: ClinVar variation 1443015 (VCV001443015.6), dbSNP rs2113671104, ClinGen allele CA2573140930.